The following is an entry in ClinVar:

NM_006996.3(SLC19A2):c.205-25dup

Gene: SLC19A2 (solute carrier family 19 member 2; minus strand). Cytogenetic location: 1q24.2.
Variant type: Duplication.
Coding change: c.205-25dup on transcript NM_006996.3 (MANE Select); 25 bases into the intron before coding-DNA position 205, one base duplicated (T; older notation c.205-25dupT).
Molecular consequence: intron variant.
Genome position (GRCh38, 1-based): chr1:169,477,771, A duplicated on the plus strand (T on the coding strand, the reverse complement: SLC19A2 is on the minus strand); the first of 12 consecutive A bases (chr1:169,477,771-169,477,782); duplicating any one gives the same sequence. VCF-style (leftmost placement, unchanged base first): chr1-169477770-G-GA. GRCh37 (hg19) VCF-style: chr1-169447008-G-GA.
Other names: p.?; c.205-7596dup (NM_001319667.1); c.205-14dup (NM_006996.3).
Identifiers: ClinVar variation 293532 (VCV000293532.9), dbSNP rs755410874, ClinGen allele CA1233115.

ClinVar aggregate classification (germline): Benign/Likely benign. Review status: criteria provided, multiple submitters, no conflicts (2 of 4 stars). 3 submissions from 3 submitters: Benign (1); Likely benign (2). Last evaluated 2025-07-14.

Submissions (3):

Mayo Clinic Laboratories, Mayo Clinic
Classification: Likely benign. Last evaluated: 2025-07-14. Review status: criteria provided, single submitter. Criteria: ACMG Guidelines, 2015. Collection method: clinical testing. Allele origin: germline. Observed: 1 variant allele.
Comment: BA1

Blueprint Genetics
Classification: Likely benign. Last evaluated: 2024-11-26. Review status: criteria provided, single submitter. Criteria: ACMG Guidelines, 2015. Collection method: clinical testing. Allele origin: germline.

GeneDx
Classification: Benign. Last evaluated: 2019-08-18. Review status: criteria provided, single submitter. Criteria: GeneDx Variant Classification Process June 2021. Collection method: clinical testing. Allele origin: germline. Affected: yes.